The following is an entry in ClinVar:

ClinVar aggregate classification (germline): Uncertain significance (1 of 4 stars; one submission).

Conditions:
Noonan syndrome 9 (NS9). Identifiers: Orphanet 648, MedGen C4225282, MONDO:0014691, OMIM 616559.

Submission:

Labcorp Genetics (formerly Invitae), Labcorp
Classification: Uncertain significance for Noonan syndrome 9. Last evaluated: 2024-02-03. Review status: criteria provided, single submitter. Criteria: Invitae Variant Classification Sherloc (09022015). Collection method: clinical testing. Allele origin: germline.
Comment: This sequence change replaces threonine, which is neutral and polar, with isoleucine, which is neutral and non-polar, at codon 628 of the SOS2 protein (p.Thr628Ile). This variant is not present in population databases (gnomAD no frequency). This variant has not been reported in the literature in individuals affected with SOS2-related conditions. Advanced modeling of protein sequence and biophysical properties (such as structural, functional, and spatial information, amino acid conservation, physicochemical variation, residue mobility, and thermodynamic stability) performed at Invitae indicates that this missense variant is expected to disrupt SOS2 protein function with a positive predictive value of 80%. In summary, the available evidence is currently insufficient to determine the role of this variant in disease. Therefore, it has been classified as a Variant of Uncertain Significance.

NM_006939.4(SOS2):c.1883C>T (p.Thr628Ile)

Gene: SOS2 (SOS Ras/Rho guanine nucleotide exchange factor 2; minus strand). Cytogenetic location: 14q21.3.
Variant type: single nucleotide variant.
Coding change: c.1883C>T on transcript NM_006939.4 (MANE Select); coding-DNA position 1883, C replaced by T.
Protein change: p.Thr628Ile; replaces threonine 628 with isoleucine.
Molecular consequence: missense variant.
Genome position (GRCh38, 1-based): chr14:50,158,616, G>A on the plus strand (C>T on the coding strand, the complement: SOS2 is on the minus strand). VCF-style: chr14-50158616-G-A. GRCh37 (hg19) VCF-style: chr14-50625334-G-A.
Other names: c.1784C>T, p.Thr595Ile (NM_001411020.1); short protein forms T595I, T628I.
Identifiers: ClinVar variation 3638702 (VCV003638702.2).
Genomic context (GRCh38, chr14:50,158,616, plus strand): 5'-TTTTCTTACCGTTCAATCAGTAAGCTCAGCAATTCCTGTGGTTTACAAAATGAACGATAT[G>A]TGGTAAGAAAAGTACGAACAAAATTGGGATCTGAAAAGGCAGAGCATAAAATAGGTTTCA-3'
Protein context (NP_008870.2, residues 618-638): DPNFVRTFLT[Thr628Ile]YRSFCKPQEL